The following is an entry in ClinVar:

NM_001165963.4(SCN1A):c.3953_3956del (p.Leu1318fs)

Genes: SCN1A (sodium voltage-gated channel alpha subunit 1; minus strand), LOC102724058 (uncharacterized LOC102724058; plus strand). Cytogenetic location: 2q24.3.
Variant type: Deletion.
Coding change: c.3953_3956del on transcript NM_001165963.4 (MANE Select); coding-DNA positions 3953 to 3956, 4 bases deleted (TAAG; older notation c.3953_3956delTAAG).
Protein change: p.Leu1318fs; shifts the reading frame from leucine 1318.
Molecular consequence: frameshift variant. On other transcripts: non-coding transcript variant (1).
Genome position (GRCh38, 1-based): chr2:166,009,765-166,009,768, CTTA deleted on the plus strand (TAAG on the coding strand, the reverse complement: SCN1A is on the minus strand). VCF-style (leftmost placement, unchanged base first): chr2-166009764-TCTTA-T. GRCh37 (hg19) VCF-style: chr2-166866274-TCTTA-T.
Other names: c.3869_3872del, p.Leu1290fs (NM_001165964.3, NM_001353957.2, NM_001353958.2); c.3953_3956del, p.Leu1318fs (NM_001202435.3, NM_001353948.2); c.3920_3923del, p.Leu1307fs (NM_001353949.2, NM_001353950.2, NM_001353951.2 and 2 more transcripts); c.3917_3920del, p.Leu1306fs (NM_001353954.2, NM_001353955.2); c.3866_3869del, p.Leu1289fs (NM_001353960.2); c.1511_1514del, p.Leu504fs (NM_001353961.2); short protein forms L1289fs, L1290fs, L504fs, L1307fs, L1306fs, L1318fs.
Identifiers: ClinVar variation 424430 (VCV000424430.2), dbSNP rs1064796964, ClinGen allele CA16617295.

ClinVar aggregate classification (germline): Likely pathogenic (1 of 4 stars; one submission).

Submission:

GeneDx
Classification: Likely pathogenic. Last evaluated: 2017-03-17. Review status: criteria provided, single submitter. Criteria: GeneDx Variant Classification (06012015). Collection method: clinical testing. Allele origin: germline. Affected: yes.
Comment: A variant that is likely pathogenic has been identified in the SCN1A gene. The c.3953_3956delTAAG variant has not been published as a pathogenic variant, nor has it been reported as a benign variant to our knowledge. The c.3953_3956delTAAG variant is not observed in large population cohorts (Lek et al., 2016; 1000 Genomes Consortium et al., 2015; Exome Variant Server). This variant causes a frameshift starting with codon Leucine 1318, changes this amino acid to a Glutamine residue and creates a premature Stop codon at position 3 of the new reading frame, denoted p.L1318QfsX3. This pathogenic variant is predicted to cause loss of normal function either through protein truncation or nonsense-mediated mRNA decay. Therefore, this variant is likely pathogenic; however, the possibility that it is benign cannot be excluded.